The following is an entry in ClinVar:

NM_001394062.1(MACF1):c.15952G>T (p.Ala5318Ser)

Gene: MACF1 (microtubule actin crosslinking factor 1; plus strand). Cytogenetic location: 1p34.3.
Variant type: single nucleotide variant.
Coding change: c.15952G>T on transcript NM_001394062.1 (MANE Select); coding-DNA position 15952, G replaced by T.
Protein change: p.Ala5318Ser; replaces alanine 5318 with serine.
Molecular consequence: missense variant.
Genome position (GRCh38, 1-based): chr1:39,422,509, G>T. VCF-style: chr1-39422509-G-T. GRCh37 (hg19) VCF-style: chr1-39888181-G-T.
Other names: c.9766G>T, p.Ala3256Ser (NM_012090.5); short protein forms A3256S, A5318S.
Identifiers: ClinVar variation 1312201 (VCV001312201.2), dbSNP rs2148637126, ClinGen allele CA339791524.

ClinVar aggregate classification (germline): Uncertain significance (1 of 4 stars; one submission).

Submission:

GeneDx
Classification: Uncertain significance. Last evaluated: 2019-09-20. Review status: criteria provided, single submitter. Criteria: GeneDx Variant Classification Process June 2021. Collection method: clinical testing. Allele origin: germline. Affected: yes.
Comment: Not observed in large population cohorts (Lek et al., 2016); In silico analysis, which includes protein predictors and evolutionary conservation, supports that this variant does not alter protein structure/function; Has not been previously published as pathogenic or benign to our knowledge; Variants in candidate genes are classified as variants of uncertain significance in accordance with ACMG guidelines (Richards et al., 2015)